The following is an entry in ClinVar:

ClinVar aggregate classification (germline): Uncertain significance (1 of 4 stars; one submission).

Conditions:
Tuberous sclerosis 2 (TSC2). Identifiers: Orphanet 805, MedGen C1860707, MONDO:0013199, OMIM 613254.

Allele frequency attached by ClinVar (database versions not stated): TOPMed below 0.00001; gnomAD 0.00001.
gnomAD v4.1: 1 of 1,613,034 alleles (0.000062%); highest among the groups gnomAD compares: African/African-American, 0.0013%; no homozygotes.

Submission:

Labcorp Genetics (formerly Invitae), Labcorp
Classification: Uncertain significance for Tuberous sclerosis 2. Last evaluated: 2019-09-11. Review status: criteria provided, single submitter. Criteria: Invitae Variant Classification Sherloc (09022015). Collection method: clinical testing. Allele origin: germline.
Comment: In summary, the available evidence is currently insufficient to determine the role of this variant in disease. Therefore, it has been classified as a Variant of Uncertain Significance. Algorithms developed to predict the effect of missense changes on protein structure and function are either unavailable or do not agree on the potential impact of this missense change (SIFT: "Tolerated"; PolyPhen-2: "Possibly Damaging"; Align-GVGD: "Class C0"). This variant has not been reported in the literature in individuals with TSC2-related conditions. This variant is not present in population databases (ExAC no frequency). This sequence change replaces lysine with threonine at codon 914 of the TSC2 protein (p.Lys914Thr). The lysine residue is highly conserved and there is a moderate physicochemical difference between lysine and threonine.

NM_000548.5(TSC2):c.2741A>C (p.Lys914Thr)

Gene: TSC2 (TSC complex subunit 2; plus strand). Cytogenetic location: 16p13.3.
Variant type: single nucleotide variant.
Coding change: c.2741A>C on transcript NM_000548.5 (MANE Select); coding-DNA position 2741, A replaced by C.
Protein change: p.Lys914Thr; replaces lysine 914 with threonine.
Molecular consequence: missense variant.
Genome position (GRCh38, 1-based): chr16:2,076,169, A>C. VCF-style: chr16-2076169-A-C. GRCh37 (hg19) VCF-style: chr16-2126170-A-C.
Other names: c.2741A>C, p.Lys914Thr (NM_001077183.3, NM_001114382.3, NM_001363528.2 and 3 more transcripts); c.2630A>C, p.Lys877Thr (NM_001318827.2); c.2594A>C, p.Lys865Thr (NM_001318829.2); c.2141A>C, p.Lys714Thr (NM_001318831.2); c.2774A>C, p.Lys925Thr (NM_001318832.2); short protein forms K865T, K877T, K714T, K914T, K925T.
Identifiers: ClinVar variation 941108 (VCV000941108.9), dbSNP rs1405342761, ClinGen allele CA394279630.